The following is an entry in ClinVar:

ClinVar aggregate classification (germline): Uncertain significance. Review status: criteria provided, multiple submitters, no conflicts (2 of 4 stars). 3 submissions from 3 submitters: Uncertain significance (3). Last evaluated 2026-08-04.

Conditions:
Hereditary cancer-predisposing syndrome. Also called: Tumor predisposition; Hereditary Cancer Syndrome; Hereditary neoplastic syndrome; Neoplastic Syndromes, Hereditary. Identifiers: Orphanet 140162, MedGen C0027672, MeSH D009386, MONDO:0015356.
Neuroblastoma, susceptibility to, 3. Also called: ALK-Related Neuroblastic Tumor Susceptibility. Identifiers: Orphanet 635, MedGen C2751681, MONDO:0013083, OMIM 613014.

Submissions (3):

Ambry Genetics
Classification: Uncertain significance for Hereditary cancer-predisposing syndrome. Last evaluated: 2026-08-04. Review status: criteria provided, single submitter. Criteria: Ambry Variant Classification Scheme 2023. Collection method: clinical testing. Allele origin: germline.
Comment: The c.4565delT variant, located in coding exon 29 of the ALK gene, results from a deletion of one nucleotide at nucleotide position 4565, causing a translational frameshift with a predicted alternate stop codon (p.I1522Kfs*36). This variant occurs at the 3' terminus of the gene and is not expected to trigger nonsense-mediated mRNA decay. Based on the available evidence, the clinical significance of this variant remains unclear.

GeneDx
Classification: Uncertain significance. Last evaluated: 2024-03-27. Review status: criteria provided, single submitter. Criteria: GeneDx Variant Classification Process June 2021. Collection method: clinical testing. Allele origin: germline. Affected: yes.
Comment: Frameshift variant predicted to result in protein truncation in a gene or region of a gene for which loss of function is not a well-established mechanism of disease; Not observed at significant frequency in large population cohorts (gnomAD); Has not been previously published as pathogenic or benign to our knowledge

Labcorp Genetics (formerly Invitae), Labcorp
Classification: Uncertain significance for Neuroblastoma, susceptibility to, 3. Last evaluated: 2023-05-30. Review status: criteria provided, single submitter. Criteria: Invitae Variant Classification Sherloc (09022015). Collection method: clinical testing. Allele origin: germline.
Comment: In summary, the available evidence is currently insufficient to determine the role of this variant in disease. Therefore, it has been classified as a Variant of Uncertain Significance. Experimental studies and prediction algorithms are not available or were not evaluated, and the functional significance of this variant is currently unknown. ClinVar contains an entry for this variant (Variation ID: 1045135). This variant has not been reported in the literature in individuals affected with ALK-related conditions. This variant is not present in population databases (gnomAD no frequency). This sequence change creates a premature translational stop signal (p.Ile1522Lysfs*36) in the ALK gene. While this is not anticipated to result in nonsense mediated decay, it is expected to disrupt the last 99 amino acid(s) of the ALK protein.

NM_004304.5(ALK):c.4565del (p.Ile1522fs)

Gene: ALK (ALK receptor tyrosine kinase; minus strand). Cytogenetic location: 2p23.2.
Variant type: Deletion.
Coding change: c.4565del on transcript NM_004304.5 (MANE Select); coding-DNA position 4565, one base deleted (T; older notation c.4565delT).
Protein change: p.Ile1522fs; shifts the reading frame from isoleucine 1522.
Molecular consequence: frameshift variant.
Genome position (GRCh38, 1-based): chr2:29,193,522, A deleted on the plus strand (T on the coding strand, the reverse complement: ALK is on the minus strand). VCF-style (leftmost placement, unchanged base first): chr2-29193521-TA-T. GRCh37 (hg19) VCF-style: chr2-29416387-TA-T.
Other names: c.1361del, p.Ile454fs (NM_001353765.2); c.4565del (NM_004304.4); c.4565delT (NM_004304.4); short protein forms I1522fs, I454fs.
Identifiers: ClinVar variation 1045135 (VCV001045135.9), dbSNP rs1668935806, ClinGen allele CA1241070878.